The following is an entry in ClinVar:

ClinVar aggregate classification (germline): Uncertain significance. Review status: criteria provided, multiple submitters, no conflicts (2 of 4 stars). 2 submissions from 2 submitters: Uncertain significance (2). Last evaluated 2026-01-05.

Conditions:
Fanconi anemia complementation group Q. Identifiers: Orphanet 84, MedGen C3808988, MONDO:0014108, OMIM 615272.
Xeroderma pigmentosum, group F (XPF). Also called: XERODERMA PIGMENTOSUM VI; XP, GROUP F; XERODERMA PIGMENTOSUM, TYPE F; Xeroderma pigmentosum, type 6; XERODERMA PIGMENTOSUM, COMPLEMENTATION GROUP F; ERCC4-Related Xeroderma Pigmentosum. Identifiers: MedGen C0268140, MONDO:0010215, OMIM 278760.
Cockayne syndrome. Identifiers: Orphanet 191, MedGen C0009207, MONDO:0016006.
Inborn genetic diseases. Identifiers: MedGen C0950123, MeSH D030342.

Allele frequency attached by ClinVar (database versions not stated): gnomAD exomes below 0.00001 and 0.00002; TOPMed 0.00001.

Submissions (2):

Labcorp Genetics (formerly Invitae), Labcorp
Classification: Uncertain significance for Fanconi anemia complementation group Q; Xeroderma pigmentosum, group F; Cockayne syndrome. Last evaluated: 2026-01-05. Review status: criteria provided, single submitter. Criteria: Invitae Variant Classification Sherloc (09022015). Collection method: clinical testing. Allele origin: germline.
Comment: This sequence change replaces glycine, which is neutral and non-polar, with glutamic acid, which is acidic and polar, at codon 600 of the ERCC4 protein (p.Gly600Glu). This variant is present in population databases (no rsID available, gnomAD 0.0009%). This variant has not been reported in the literature in individuals affected with ERCC4-related conditions. ClinVar contains an entry for this variant (Variation ID: 1051747). Invitae Evidence Modeling of protein sequence and biophysical properties (such as structural, functional, and spatial information, amino acid conservation, physicochemical variation, residue mobility, and thermodynamic stability) indicates that this missense variant is not expected to disrupt ERCC4 protein function with a negative predictive value of 80%. In summary, the available evidence is currently insufficient to determine the role of this variant in disease. Therefore, it has been classified as a Variant of Uncertain Significance.

Ambry Genetics
Classification: Uncertain significance for Inborn genetic diseases. Last evaluated: 2022-08-22. Review status: criteria provided, single submitter. Criteria: Ambry Variant Classification Scheme 2023. Collection method: clinical testing. Allele origin: germline.

NM_005236.3(ERCC4):c.1799G>A (p.Gly600Glu)

Gene: ERCC4 (ERCC excision repair 4, endonuclease catalytic subunit; plus strand). Cytogenetic location: 16p13.12.
Variant type: single nucleotide variant.
Coding change: c.1799G>A on transcript NM_005236.3 (MANE Select); coding-DNA position 1799, G replaced by A.
Protein change: p.Gly600Glu; replaces glycine 600 with glutamic acid.
Molecular consequence: missense variant.
Genome position (GRCh38, 1-based): chr16:13,935,731, G>A. VCF-style: chr16-13935731-G-A. GRCh37 (hg19) VCF-style: chr16-14029588-G-A.
Other names: c.1799G>A (NM_005236.2); short protein forms G600E.
Identifiers: ClinVar variation 1051747 (VCV001051747.12), dbSNP rs1336284412, ClinGen allele CA394812837.